The following is an entry in ClinVar:

ClinVar aggregate classification (germline): Uncertain significance. Review status: criteria provided, multiple submitters, no conflicts (2 of 4 stars). 2 submissions from 2 submitters: Uncertain significance (2). Last evaluated 2025-10-28.

Conditions:
Inborn genetic diseases. Identifiers: MedGen C0950123, MeSH D030342.

Submissions (2):

Ambry Genetics
Classification: Uncertain significance for Inborn genetic diseases. Last evaluated: 2025-10-28. Review status: criteria provided, single submitter. Criteria: Ambry Variant Classification Scheme 2023. Collection method: clinical testing. Allele origin: germline.

GeneDx
Classification: Uncertain significance. Last evaluated: 2025-03-23. Review status: criteria provided, single submitter. Criteria: GeneDx Variant Classification Process June 2021. Collection method: clinical testing. Allele origin: germline. Affected: yes.
Comment: Not observed at significant frequency in large population cohorts (gnomAD); In silico analysis indicates that this missense variant does not alter protein structure/function; Has not been previously published as pathogenic or benign to our knowledge

NM_001002295.2(GATA3):c.1253C>T (p.Thr418Ile)

Gene: GATA3 (GATA binding protein 3; plus strand). Cytogenetic location: 10p14.
Variant type: single nucleotide variant.
Coding change: c.1253C>T on transcript NM_001002295.2 (MANE Select); coding-DNA position 1253, C replaced by T.
Protein change: p.Thr418Ile; replaces threonine 418 with isoleucine.
Molecular consequence: missense variant. On other transcripts: 3 prime UTR variant (6).
Genome position (GRCh38, 1-based): chr10:8,073,941, C>T. VCF-style: chr10-8073941-C-T. GRCh37 (hg19) VCF-style: chr10-8115904-C-T.
Other names: c.1250C>T, p.Thr417Ile (NM_002051.3, NM_001441124.1, NM_001441125.1 and 3 more transcripts); c.1253C>T, p.Thr418Ile (NM_001441116.1, NM_001441117.1, NM_001441118.1 and 6 more transcripts); c.*141C>T (NM_001441129.1, NM_001441130.1, NM_001441131.1 and 2 more transcripts); c.*198C>T (NM_001441134.1); c.374C>T, p.Thr125Ile (NM_001441135.1); short protein forms T417I, T418I, T125I.
Identifiers: ClinVar variation 4088245 (VCV004088245.2).